The following is an entry in ClinVar:

ClinVar aggregate classification (germline): Likely pathogenic (1 of 4 stars; one submission).

Conditions:
Isolated focal cortical dysplasia type IIa. Also called: Focal cortical dysplasia of Taylor type 2A. Identifiers: Orphanet 269001, MedGen C1846386, MONDO:0017101.

Submission:

Human Genome Lab, NIMHANS, National Institute of Mental Health and Neuro Sciences
Classification: Likely pathogenic for Isolated focal cortical dysplasia type IIa. Last evaluated: 2024-07-13. Review status: criteria provided, single submitter. Criteria: ACMG Guidelines, 2015. Collection method: clinical testing. Allele origin: germline. Affected: yes. Observed: 1 variant allele.
Comment: The splice donor variant NM_001077350.3(NPRL3):c.1351+2T>C is not currently classified as pathogenic or benign in clinical sources. The c.1351+2T>C variant is novel (not in any individuals) in gnomAD4-Joint-Variant Frequencies. This variant mutates a splice-donor sequence, potentially resulting in the retention of large segments of intronic DNA by the mRNA and nonfunctional proteins. This variant results in the loss of an donor splice site for the clinically relevant transcript. This variant disrupts the donor splice site for an exon upstream from the penultimate exon junction and is therefore predicted to cause nonsense mediated decay. The c.1351+2T>C variant is a loss of function variant in the gene NPRL3, which is intolerant of Loss of Function variants, as indicated by the presence of existing pathogenic loss of function variant NP_001070818.1:p.S6Afs*5 and 103 others. For these reasons, this variant has been classified as Likely Pathogenic. (ACMG Criteria: PM2 PVS1)

NM_001077350.3(NPRL3):c.1351+2T>C

Genes: HBA-LCR (alpha-globin locus control region; plus strand), NPRL3 (NPR3 like, GATOR1 complex subunit; minus strand). Cytogenetic location: 16p13.3.
Variant type: single nucleotide variant.
Coding change: c.1351+2T>C on transcript NM_001077350.3 (MANE Select); the canonical splice donor site of the intron after coding-DNA position 1351, T replaced by C.
Molecular consequence: splice donor variant.
Genome position (GRCh38, 1-based): chr16:89,711, A>G on the plus strand (T>C on the coding strand, the complement: NPRL3 is on the minus strand). VCF-style: chr16-89711-A-G. GRCh37 (hg19) VCF-style: chr16-139709-A-G.
Other names: c.1117+2T>C (NM_001243247.2); c.1276+2T>C (NM_001243248.2, NM_001243249.2); c.814+2T>C (NM_001039476.3).
Identifiers: ClinVar variation 4879364 (VCV004879364.1).